The following is an entry in ClinVar:

NM_001165963.4(SCN1A):c.4002+2422A>G

Genes: SCN1A (sodium voltage-gated channel alpha subunit 1; minus strand), LOC102724058 (uncharacterized LOC102724058; plus strand). Cytogenetic location: 2q24.3.
Variant type: single nucleotide variant.
Coding change: c.4002+2422A>G on transcript NM_001165963.4 (MANE Select); 2422 bases into the intron after coding-DNA position 4002, A replaced by G.
Molecular consequence: intron variant.
Genome position (GRCh38, 1-based): chr2:166,007,297, T>C on the plus strand (A>G on the coding strand, the complement: SCN1A is on the minus strand). VCF-style: chr2-166007297-T-C. GRCh37 (hg19) VCF-style: chr2-166863807-T-C.
Other names: c.3918+2422A>G (NM_001165964.3, NM_001353958.2, NM_001353957.2); c.3969+2422A>G (NM_001353952.2, NM_006920.6, NM_001353949.2 and 2 more transcripts); c.1560+2422A>G (NM_001353961.2); c.4002+2422A>G (NM_001202435.3, NM_001353948.2); c.3966+2422A>G (NM_001353955.2, NM_001353954.2); c.3915+2422A>G (NM_001353960.2).
Identifiers: ClinVar variation 1321466 (VCV001321466.34), dbSNP rs185755900, ClinGen allele CA59771565.
Genomic context (GRCh38, chr2:166,007,297, plus strand): 5'-AAAGGGCTCAGGGGAGGAACCAGCGCTCCACCCCATCCAAGTTGGAGCAAGATTATCCTA[T>C]ACAAAATAGAAATATATAGTTTGTTATTAGTTAGAAATCTGATATGACAGAACATTTGGT-3'

ClinVar aggregate classification (germline): Benign/Likely benign. Review status: criteria provided, multiple submitters, no conflicts (2 of 4 stars). 3 submissions from 3 submitters: Benign (1); Likely benign (2). Last evaluated 2026-08-01.

Conditions:
Early-infantile DEE. Also called: Early infantile epileptic encephalopathy; Ohtahara syndrome; Early infantile epileptic encephalopathy with suppression bursts. Identifiers: Orphanet 1934, MedGen C0393706, MONDO:0800491.

Allele frequency attached by ClinVar (database versions not stated): TOPMed 0.00101; 1000 Genomes Project 0.00140; 1000 Genomes Project 30x 0.00156; gnomAD 0.00297 and 0.00310.

Submissions (3):

CeGaT Center for Human Genetics Tuebingen
Classification: Likely benign. Last evaluated: 2026-08-01. Review status: criteria provided, single submitter. Criteria: CeGaT Center For Human Genetics Tuebingen Variant Classification Criteria Version 2. Collection method: clinical testing. Allele origin: germline. Affected: yes. Observed: 10 variant alleles.
Comment: SCN1A: BS1

Labcorp Genetics (formerly Invitae), Labcorp
Classification: Benign for Early-infantile DEE. Last evaluated: 2026-02-03. Review status: criteria provided, single submitter. Criteria: Invitae Variant Classification Sherloc (09022015). Collection method: clinical testing. Allele origin: germline.

GeneDx
Classification: Likely benign. Last evaluated: 2021-05-14. Review status: criteria provided, single submitter. Criteria: GeneDx Variant Classification Process June 2021. Collection method: clinical testing. Allele origin: germline. Affected: yes.